The following is an entry in ClinVar:

ClinVar aggregate classification (germline): Uncertain significance. Review status: criteria provided, multiple submitters, no conflicts (2 of 4 stars). 2 submissions from 2 submitters: Uncertain significance (2). Last evaluated 2025-11-25.

Conditions:
Inborn genetic diseases. Identifiers: MedGen C0950123, MeSH D030342.

gnomAD v4.1: 15 of 1,613,630 alleles (0.00093%); highest among the groups gnomAD compares: African/African-American, 0.0013%; no homozygotes.

Submissions (2):

Labcorp Genetics (formerly Invitae), Labcorp
Classification: Uncertain significance. Last evaluated: 2025-11-25. Review status: criteria provided, single submitter. Criteria: Invitae Variant Classification Sherloc (09022015). Collection method: clinical testing. Allele origin: germline.
Comment: This sequence change replaces arginine, which is basic and polar, with glutamine, which is neutral and polar, at codon 406 of the MBD4 protein (p.Arg406Gln). This variant is present in population databases (no rsID available, gnomAD 0.01%). This variant has not been reported in the literature in individuals affected with MBD4-related conditions. ClinVar contains an entry for this variant (Variation ID: 3698772). An algorithm developed to predict the effect of missense changes on protein structure and function outputs the following: PolyPhen-2: "Benign". The glutamine amino acid residue is found in multiple mammalian species, which suggests that this missense change does not adversely affect protein function. Algorithms developed to predict the effect of sequence changes on RNA splicing suggest that this variant may disrupt the consensus splice site. In summary, the available evidence is currently insufficient to determine the role of this variant in disease. Therefore, it has been classified as a Variant of Uncertain Significance.

Ambry Genetics
Classification: Uncertain significance for Inborn genetic diseases. Last evaluated: 2025-10-07. Review status: criteria provided, single submitter. Criteria: Ambry Variant Classification Scheme 2023. Collection method: clinical testing. Allele origin: germline.
Comment: The p.R400Q variant (also known as c.1199G>A), located in coding exon 4 of the MBD4 gene, results from a G to A substitution at nucleotide position 1199. The arginine at codon 400 is replaced by glutamine, an amino acid with highly similar properties. This amino acid position is conserved. In addition, the in silico prediction for this alteration is inconclusive. Based on the available evidence, the clinical significance of this variant remains unclear.

NM_001276270.2(MBD4):c.1199G>A (p.Arg400Gln)

Gene: MBD4 (methyl-CpG binding domain 4, DNA glycosylase; minus strand). Cytogenetic location: 3q21.3.
Variant type: single nucleotide variant.
Coding change: c.1199G>A on transcript NM_001276270.2 (MANE Select); coding-DNA position 1199, G replaced by A.
Protein change: p.Arg400Gln; replaces arginine 400 with glutamine.
Molecular consequence: missense variant.
Genome position (GRCh38, 1-based): chr3:129,434,121, C>T on the plus strand (G>A on the coding strand, the complement: MBD4 is on the minus strand). VCF-style: chr3-129434121-C-T. GRCh37 (hg19) VCF-style: chr3-129152964-C-T.
Other names: c.1217G>A, p.Arg406Gln (NM_001276271.2, NM_001276272.2, NM_003925.3); c.263G>A, p.Arg88Gln (NM_001276273.2); short protein forms R406Q, R88Q, R400Q.
Identifiers: ClinVar variation 3698772 (VCV003698772.3).